The following is an entry in ClinVar:

NM_001277115.2(DNAH11):c.1320del (p.Lys440fs)

Gene: DNAH11 (dynein axonemal heavy chain 11; plus strand). Cytogenetic location: 7p15.3.
Variant type: Deletion.
Coding change: c.1320del on transcript NM_001277115.2 (MANE Select); coding-DNA position 1320, one base deleted (A; older notation c.1320delA).
Protein change: p.Lys440fs; shifts the reading frame from lysine 440.
Molecular consequence: frameshift variant.
Genome position (GRCh38, 1-based): chr7:21,570,194, A deleted; the last of 7 consecutive A bases (chr7:21,570,188-21,570,194); deleting any one gives the same sequence. VCF-style (leftmost placement, unchanged base first): chr7-21570187-GA-G. GRCh37 (hg19) VCF-style: chr7-21609805-GA-G.
Other names: short protein forms K440fs.
Identifiers: ClinVar variation 1070658 (VCV001070658.7), dbSNP rs1562668233, ClinGen allele CA573292251.

ClinVar aggregate classification (germline): Pathogenic (1 of 4 stars; one submission).

Conditions:
Primary ciliary dyskinesia. Also called: Ciliary dyskinesia. Identifiers: Orphanet 244, MedGen C0008780, MONDO:0016575, HP:0012265.

Submission:

Labcorp Genetics (formerly Invitae), Labcorp
Classification: Pathogenic for Primary ciliary dyskinesia. Last evaluated: 2024-02-04. Review status: criteria provided, single submitter. Criteria: Invitae Variant Classification Sherloc (09022015). Collection method: clinical testing. Allele origin: germline.
Comment: This sequence change creates a premature translational stop signal (p.Lys440Asnfs*11) in the DNAH11 gene. It is expected to result in an absent or disrupted protein product. Loss-of-function variants in DNAH11 are known to be pathogenic (PMID: 18022865, 20513915, 22184204). This variant is present in population databases (no rsID available, gnomAD 0.003%). This variant has not been reported in the literature in individuals affected with DNAH11-related conditions. ClinVar contains an entry for this variant (Variation ID: 1070658). Algorithms developed to predict the effect of sequence changes on RNA splicing suggest that this variant may disrupt the consensus splice site. For these reasons, this variant has been classified as Pathogenic.

Literature cited by the submitters: PubMed 18022865; PubMed 20513915; PubMed 22184204.